The following is an entry in ClinVar:

NM_006785.4(MALT1):c.92A>G (p.Asn31Ser)

Genes: MALT1 (MALT1 paracaspase; plus strand), MALT1-AS1 (MALT1 antisense RNA 1; minus strand), LOC130062586 (ATAC-STARR-seq lymphoblastoid silent region 9487; plus strand). Cytogenetic location: 18q21.32.
Variant type: single nucleotide variant.
Coding change: c.92A>G on transcript NM_006785.4 (MANE Select); coding-DNA position 92, A replaced by G.
Protein change: p.Asn31Ser; replaces asparagine 31 with serine.
Molecular consequence: missense variant. On other transcripts: non-coding transcript variant (1).
Genome position (GRCh38, 1-based): chr18:58,671,735, A>G. VCF-style: chr18-58671735-A-G. GRCh37 (hg19) VCF-style: chr18-56338967-A-G.
Other names: c.92A>G, p.Asn31Ser (NM_173844.3); c.92A>G (NM_006785.2); short protein forms N31S.
Identifiers: ClinVar variation 1343623 (VCV001343623.8), dbSNP rs888829305, ClinGen allele CA300934671.

ClinVar aggregate classification (germline): Uncertain significance. Review status: criteria provided, multiple submitters, no conflicts (2 of 4 stars). 3 submissions from 3 submitters: Uncertain significance (3). Last evaluated 2023-03-14.

Conditions:
Inborn genetic diseases. Identifiers: MedGen C0950123, MeSH D030342.
Combined immunodeficiency due to MALT1 deficiency. Also called: Immunodeficiency 12. Identifiers: Orphanet 397964, MedGen C3809583, MONDO:0014197, OMIM 615468.

Allele frequency attached by ClinVar (database versions not stated): gnomAD exomes 0.00001; gnomAD 0.00003 and 0.00004; TOPMed 0.00006.

Submissions (3):

Ambry Genetics
Classification: Uncertain significance for Inborn genetic diseases. Last evaluated: 2023-03-14. Review status: criteria provided, single submitter. Criteria: Ambry Variant Classification Scheme 2023. Collection method: clinical testing. Allele origin: germline.

Women's Health and Genetics/Laboratory Corporation of America, LabCorp
Classification: Uncertain significance. Last evaluated: 2022-02-18. Review status: criteria provided, single submitter. Criteria: LabCorp Variant Classification Summary - May 2015. Collection method: clinical testing. Allele origin: germline.

Labcorp Genetics (formerly Invitae), Labcorp
Classification: Uncertain significance for Combined immunodeficiency due to MALT1 deficiency. Last evaluated: 2021-02-13. Review status: criteria provided, single submitter. Criteria: Invitae Variant Classification Sherloc (09022015). Collection method: clinical testing. Allele origin: germline.
Comment: Algorithms developed to predict the effect of missense changes on protein structure and function output the following: SIFT: "Tolerated"; PolyPhen-2: "Benign"; Align-GVGD: "Class C0". The serine amino acid residue is found in multiple mammalian species, suggesting that this missense change does not adversely affect protein function. These predictions have not been confirmed by published functional studies and their clinical significance is uncertain. In summary, the available evidence is currently insufficient to determine the role of this variant in disease. Therefore, it has been classified as a Variant of Uncertain Significance. Algorithms developed to predict the effect of sequence changes on RNA splicing suggest that this variant may create or strengthen a splice site, but this prediction has not been confirmed by published transcriptional studies. This variant has not been reported in the literature in individuals with MALT1-related conditions. The frequency data for this variant in the population databases is considered unreliable, as metrics indicate insufficient coverage at this position in the ExAC database. This sequence change replaces asparagine with serine at codon 31 of the MALT1 protein (p.Asn31Ser). The asparagine residue is moderately conserved and there is a small physicochemical difference between asparagine and serine.